The following is an entry in ClinVar:

Conditions:
Breast-ovarian cancer, familial, susceptibility to, 1 (BROVCA1). Also called: BRCA1 Hereditary Breast and Ovarian Cancer; OVARIAN CANCER, SUSCEPTIBILITY TO. Identifiers: Orphanet 145, MedGen C2676676, MONDO:0011450, OMIM 604370. Disease mechanism: loss of function.

Submission:

Brotman Baty Institute, University of Washington
No classification provided (evidence only). Condition: Breast-ovarian cancer, familial 1. Review status: no classification provided. Collection method: in vitro. Allele origin: not applicable. Functional consequence: functionally_normal.
ClinVar note: "not provided" was previously submitted as the classification for the variant. However, the classification appeared to be based only on an observation of functional data so it was converted to no classification on 2025-07-30.

NM_007294.4(BRCA1):c.5064T>A (p.Val1688=)

Gene: BRCA1 (BRCA1 DNA repair associated; minus strand). Cytogenetic location: 17q21.31.
Variant type: single nucleotide variant.
Coding change: c.5064T>A on transcript NM_007294.4 (MANE Select); coding-DNA position 5064, T replaced by A.
Protein change: p.Val1688=; no amino-acid change (valine 1688 retained).
Molecular consequence: synonymous variant. On other transcripts: intron variant (1).
Genome position (GRCh38, 1-based): chr17:43,067,618, A>T on the plus strand (T>A on the coding strand, the complement: BRCA1 is on the minus strand). VCF-style: chr17-43067618-A-T. GRCh37 (hg19) VCF-style: chr17-41219635-A-T.
Other names: c.4917T>A, p.Val1639= (NM_001407852.1, NM_001407853.1, NM_001407838.1 and 12 more transcripts); c.5064T>A, p.Val1688= (NM_001407854.1, NM_001407593.1, NM_001407594.1 and 8 more transcripts); c.5061T>A, p.Val1687= (NM_001407858.1, NM_001407859.1, NM_001407860.1 and 17 more transcripts); c.5058T>A, p.Val1686= (NM_001407861.1, NM_001407627.1, NM_001407628.1 and 14 more transcripts); c.4863T>A, p.Val1621= (NM_001407862.1); c.4938T>A, p.Val1646= (NM_001407863.1, NM_001407939.1, NM_001407940.1 and 11 more transcripts); c.4857T>A, p.Val1619= (NM_001407874.1, NM_001407875.1); c.4854T>A, p.Val1618= (NM_001407879.1, NM_001407881.1, NM_001407882.1 and 5 more transcripts); and 71 more.
Identifiers: ClinVar variation 864896 (VCV000864896.3), dbSNP rs1567771967, ClinGen allele CA500146307.